The following is an entry in ClinVar:

ClinVar aggregate classification (germline): Uncertain significance. Review status: criteria provided, multiple submitters, no conflicts (2 of 4 stars). 2 submissions from 2 submitters: Uncertain significance (2). Last evaluated 2023-06-05.

Conditions:
Hereditary sensory and autonomic neuropathy type 6. Also called: HSAN VI; Neuropathy, hereditary sensory and autonomic, type VI. Identifiers: Orphanet 314381, MedGen C3539003, MONDO:0013839, OMIM 614653.
Epidermolysis bullosa simplex 3, localized or generalized intermediate, with BP230 deficiency (EBS3). Also called: Epidermolysis bullosa simplex, autosomal recessive 2; Epidermolysis bullosa simplex due to BP230 deficiency. Identifiers: Orphanet 412181, MedGen C3809470, MONDO:0014180, OMIM 615425.

Allele frequency attached by ClinVar (database versions not stated): gnomAD exomes below 0.00001; gnomAD 0.00001; TOPMed 0.00001.
gnomAD v4.1: 7 of 1,611,608 alleles (0.00043%); highest among the groups gnomAD compares: Non-Finnish European, 0.00059%; no homozygotes.

Submissions (2):

GeneDx
Classification: Uncertain significance. Last evaluated: 2023-06-05. Review status: criteria provided, single submitter. Criteria: GeneDx Variant Classification Process June 2021. Collection method: clinical testing. Allele origin: germline. Affected: yes.
Comment: In silico analysis supports that this missense variant does not alter protein structure/function; Has not been previously published as pathogenic or benign to our knowledge

Labcorp Genetics (formerly Invitae), Labcorp
Classification: Uncertain significance for Epidermolysis bullosa simplex 3, localized or generalized intermediate, with BP230 deficiency; Hereditary sensory and autonomic neuropathy type 6. Last evaluated: 2021-08-26. Review status: criteria provided, single submitter. Criteria: Invitae Variant Classification Sherloc (09022015). Collection method: clinical testing. Allele origin: germline.
Comment: This sequence change replaces cysteine with phenylalanine at codon 1523 of the DST protein (p.Cys1523Phe). The cysteine residue is weakly conserved and there is a large physicochemical difference between cysteine and phenylalanine. This variant is not present in population databases (ExAC no frequency). This variant has not been reported in the literature in individuals affected with DST-related conditions. Algorithms developed to predict the effect of missense changes on protein structure and function are either unavailable or do not agree on the potential impact of this missense change (SIFT: "Deleterious"; PolyPhen-2: "Possibly Damaging"; Align-GVGD: "Class C0"). In summary, the available evidence is currently insufficient to determine the role of this variant in disease. Therefore, it has been classified as a Variant of Uncertain Significance.

NM_001723.7(DST):c.4568G>T (p.Cys1523Phe)

Gene: DST (dystonin; minus strand). Cytogenetic location: 6p12.1.
Variant type: single nucleotide variant.
Coding change: c.4568G>T on transcript NM_001723.7 (MANE Plus Clinical); coding-DNA position 4568, G replaced by T.
Protein change: p.Cys1523Phe; replaces cysteine 1523 with phenylalanine.
Molecular consequence: missense variant. On other transcripts: intron variant (10).
Genome position (GRCh38, 1-based): chr6:56,619,466, C>A on the plus strand (G>T on the coding strand, the complement: DST is on the minus strand). VCF-style: chr6-56619466-C-A. GRCh37 (hg19) VCF-style: chr6-56484264-C-A.
Other names: c.4831-4982G>T (NM_001144769.5); c.4930-4982G>T (NM_001374722.1, NM_001374736.1); c.4957-4982G>T (NM_001374734.1); c.4417-4982G>T (NM_001144770.2); c.4297-4982G>T (NM_001374730.1, NM_001386100.1, NM_183380.4 and 1 more transcripts); c.3319-4982G>T (NM_015548.5); c.4568G>T (NM_001723.5); short protein forms C1523F.
Identifiers: ClinVar variation 1014757 (VCV001014757.7), dbSNP rs1445938212, ClinGen allele CA364569383.